The following is an entry in ClinVar:

NM_006206.6(PDGFRA):c.2350G>C (p.Asp784His)

Gene: PDGFRA (platelet derived growth factor receptor alpha; plus strand). Cytogenetic location: 4q12.
Variant type: single nucleotide variant.
Coding change: c.2350G>C on transcript NM_006206.6 (MANE Select); coding-DNA position 2350, G replaced by C.
Protein change: p.Asp784His; replaces aspartic acid 784 with histidine.
Molecular consequence: missense variant.
Genome position (GRCh38, 1-based): chr4:54,285,397, G>C. VCF-style: chr4-54285397-G-C. GRCh37 (hg19) VCF-style: chr4-55151564-G-C.
Other names: c.2425G>C, p.Asp809His (NM_001347828.2); c.2350G>C, p.Asp784His (NM_001347829.2); c.2389G>C, p.Asp797His (NM_001347830.2); short protein forms D784H, D797H, D809H.
Identifiers: ClinVar variation 4664941 (VCV004664941.1).

ClinVar aggregate classification (germline): Uncertain significance (1 of 4 stars; one submission).

Conditions:
Hereditary cancer-predisposing syndrome. Also called: Neoplastic Syndromes, Hereditary; Tumor predisposition; Hereditary Cancer Syndrome; Hereditary neoplastic syndrome. Identifiers: Orphanet 140162, MedGen C0027672, MeSH D009386, MONDO:0015356.

Submission:

Ambry Genetics
Classification: Uncertain significance for Hereditary cancer-predisposing syndrome. Last evaluated: 2025-11-13. Review status: criteria provided, single submitter. Criteria: Ambry Variant Classification Scheme 2023. Collection method: clinical testing. Allele origin: germline.
Comment: The p.D784H variant (also known as c.2350G>C), located in coding exon 16 of the PDGFRA gene, results from a G to C substitution at nucleotide position 2350. The aspartic acid at codon 784 is replaced by histidine, an amino acid with similar properties. This amino acid position is well conserved in available vertebrate species. In addition, the in silico prediction for this alteration is inconclusive. Based on the available evidence, the clinical significance of this variant remains unclear.